The following is an entry in ClinVar:

ClinVar aggregate classification (germline): Uncertain significance (1 of 4 stars; one submission).

Conditions:
Hereditary cancer-predisposing syndrome. Also called: Tumor predisposition; Hereditary neoplastic syndrome; Hereditary Cancer Syndrome; Neoplastic Syndromes, Hereditary. Identifiers: Orphanet 140162, MedGen C0027672, MeSH D009386, MONDO:0015356.

gnomAD v4.1: 1 of 1,562,898 alleles (0.000064%); highest among the groups gnomAD compares: Non-Finnish European, 0.000086%; no homozygotes.

Submission:

Ambry Genetics
Classification: Uncertain significance for Hereditary cancer-predisposing syndrome. Last evaluated: 2025-03-15. Review status: criteria provided, single submitter. Criteria: Ambry Variant Classification Scheme 2023. Collection method: clinical testing. Allele origin: germline.
Comment: The p.A929V variant (also known as c.2786C>T), located in coding exon 21 of the POLD1 gene, results from a C to T substitution at nucleotide position 2786. The alanine at codon 929 is replaced by valine, an amino acid with similar properties. This amino acid position is conserved. In addition, this alteration is predicted to be tolerated by in silico analysis. Based on the available evidence, the clinical significance of this variant remains unclear.

NM_002691.4(POLD1):c.2786C>T (p.Ala929Val)

Gene: POLD1 (DNA polymerase delta 1, catalytic subunit; plus strand). Cytogenetic location: 19q13.33.
Variant type: single nucleotide variant.
Coding change: c.2786C>T on transcript NM_002691.4 (MANE Select); coding-DNA position 2786, C replaced by T.
Protein change: p.Ala929Val; replaces alanine 929 with valine.
Molecular consequence: missense variant.
Genome position (GRCh38, 1-based): chr19:50,415,792, C>T. VCF-style: chr19-50415792-C-T. GRCh37 (hg19) VCF-style: chr19-50919049-C-T.
Other names: c.2786C>T, p.Ala929Val (NM_001256849.1); c.2864C>T, p.Ala955Val (NM_001308632.1); short protein forms A955V, A929V.
Identifiers: ClinVar variation 3935521 (VCV003935521.1).
Genomic context (GRCh38, chr19:50,415,792, plus strand): 5'-AGCGGGACCCCGGGAGTGCGCCCAGCCTGGGCGACCGCGTCCCCTACGTGATCATCAGTG[C>T]CGCCAAGGGTGTGGCCGCCTACATGAAGTCGGAGGTCAGGCCCACCTGGCTGCCTGCTCC-3'
Protein context (NP_002682.2, residues 919-939): GDRVPYVIIS[Ala929Val]AKGVAAYMKS